The following is an entry in ClinVar:

ClinVar aggregate classification (germline): Uncertain significance (1 of 4 stars; one submission).

Submission:

Labcorp Genetics (formerly Invitae), Labcorp
Classification: Uncertain significance. Last evaluated: 2023-11-27. Review status: criteria provided, single submitter. Criteria: Invitae Variant Classification Sherloc (09022015). Collection method: clinical testing. Allele origin: germline.
Comment: This sequence change falls in intron 49 of the COL11A1 gene. It does not directly change the encoded amino acid sequence of the COL11A1 protein. It affects a nucleotide within the consensus splice site. This variant is not present in population databases (gnomAD no frequency). This variant has not been reported in the literature in individuals affected with COL11A1-related conditions. Variants that disrupt the consensus splice site are a relatively common cause of aberrant splicing (PMID: 17576681, 9536098). Algorithms developed to predict the effect of sequence changes on RNA splicing suggest that this variant is not likely to affect RNA splicing. In summary, the available evidence is currently insufficient to determine the role of this variant in disease. Therefore, it has been classified as a Variant of Uncertain Significance.

Literature cited by the submitters: PubMed 17576681; PubMed 9536098.

NM_001854.4(COL11A1):c.3763-3T>C

Gene: COL11A1 (collagen type XI alpha 1 chain; minus strand). Cytogenetic location: 1p21.1.
Variant type: single nucleotide variant.
Coding change: c.3763-3T>C on transcript NM_001854.4 (MANE Select); 3 bases into the intron before coding-DNA position 3763, T replaced by C.
Molecular consequence: intron variant.
Genome position (GRCh38, 1-based): chr1:102,915,687, A>G on the plus strand (T>C on the coding strand, the complement: COL11A1 is on the minus strand). VCF-style: chr1-102915687-A-G. GRCh37 (hg19) VCF-style: chr1-103381243-A-G.
Other names: c.3646-3T>C (NM_001190709.2); c.3799-3T>C (NM_080629.3); c.3415-3T>C (NM_080630.4).
Identifiers: ClinVar variation 2853340 (VCV002853340.3), dbSNP rs2524497364, ClinGen allele CA2739275130.
Genomic context (GRCh38, chr1:102,915,687, plus strand): 5'-TTACGCCTACACCTGCTTCCCCAGGAGGCCCTGGGTTCCCTGCTTCTCCAGGTTCACCCT[A>G]TATAGAGAAGATCAAATTAGTATTAGAATACAGAGATGATCTTTTACATTTATAAAATTC-3'